The following is an entry in ClinVar:

NM_080680.3(COL11A2):c.1462C>A (p.Pro488Thr)

Gene: COL11A2 (collagen type XI alpha 2 chain; minus strand). Cytogenetic location: 6p21.32.
Variant type: single nucleotide variant.
Coding change: c.1462C>A on transcript NM_080680.3 (MANE Select); coding-DNA position 1462, C replaced by A.
Protein change: p.Pro488Thr; replaces proline 488 with threonine.
Molecular consequence: missense variant.
Genome position (GRCh38, 1-based): chr6:33,179,472, G>T on the plus strand (C>A on the coding strand, the complement: COL11A2 is on the minus strand). VCF-style: chr6-33179472-G-T. GRCh37 (hg19) VCF-style: chr6-33147249-G-T.
Other names: c.436C>A, p.Pro146Thr (NM_001424110.1, NM_001424111.1); c.1141C>A, p.Pro381Thr (NM_080679.3); c.1204C>A, p.Pro402Thr (NM_080681.3); c.1282C>A, p.Pro428Thr (NM_001424108.1); c.616C>A, p.Pro206Thr (NM_001424109.1); c.1462C>A (NM_080680.2); short protein forms P206T, P488T, P146T, P402T, P381T, P428T.
Identifiers: ClinVar variation 3667762 (VCV003667762.3).

ClinVar aggregate classification (germline): Uncertain significance. Review status: criteria provided, multiple submitters, no conflicts (2 of 4 stars). 2 submissions from 2 submitters: Uncertain significance (2). Last evaluated 2024-11-15.

gnomAD v4.1: 1 of 1,565,732 alleles (0.000064%); highest among the groups gnomAD compares: Non-Finnish European, 0.000087%; no homozygotes.

Submissions (2):

Labcorp Genetics (formerly Invitae), Labcorp
Classification: Uncertain significance. Last evaluated: 2024-11-15. Review status: criteria provided, single submitter. Criteria: Invitae Variant Classification Sherloc (09022015). Collection method: clinical testing. Allele origin: germline.
Comment: This sequence change replaces proline, which is neutral and non-polar, with threonine, which is neutral and polar, at codon 488 of the COL11A2 protein (p.Pro488Thr). This variant is not present in population databases (gnomAD no frequency). This variant has not been reported in the literature in individuals affected with COL11A2-related conditions. Invitae Evidence Modeling of protein sequence and biophysical properties (such as structural, functional, and spatial information, amino acid conservation, physicochemical variation, residue mobility, and thermodynamic stability) indicates that this missense variant is not expected to disrupt COL11A2 protein function with a negative predictive value of 95%. In summary, the available evidence is currently insufficient to determine the role of this variant in disease. Therefore, it has been classified as a Variant of Uncertain Significance.

GeneDx
Classification: Uncertain significance. Last evaluated: 2024-11-11. Review status: criteria provided, single submitter. Criteria: GeneDx Variant Classification Process June 2021. Collection method: clinical testing. Allele origin: germline. Affected: yes.
Comment: Not observed at significant frequency in large population cohorts (gnomAD); In silico analysis supports that this missense variant has a deleterious effect on protein structure/function; Has not been previously published as pathogenic or benign to our knowledge